The following is an entry in ClinVar:

ClinVar aggregate classification (germline): Uncertain significance. Review status: criteria provided, multiple submitters, no conflicts (2 of 4 stars). 2 submissions from 2 submitters: Uncertain significance (2). Last evaluated 2025-04-04.

Conditions:
Pulmonary fibrosis and/or bone marrow failure, Telomere-related, 3. Also called: PULMONARY FIBROSIS AND/OR BONE MARROW FAILURE SYNDROME, TELOMERE-RELATED, 3. Identifiers: Orphanet 2032, MedGen C4225346, MONDO:0014613, OMIM 616373.
Dyskeratosis congenita, autosomal recessive 5 (DKCB5). Identifiers: MedGen C3554656, MONDO:0014076, OMIM 615190.
Inborn genetic diseases. Identifiers: MedGen C0950123, MeSH D030342.

gnomAD v4.1: 2 of 1,612,668 alleles (0.00012%); highest among the groups gnomAD compares: South Asian, 0.0011%; no homozygotes.

Submissions (2):

Ambry Genetics
Classification: Uncertain significance for Inborn genetic diseases. Last evaluated: 2025-04-04. Review status: criteria provided, single submitter. Criteria: Ambry Variant Classification Scheme 2023. Collection method: clinical testing. Allele origin: germline.
Comment: The p.D507G variant (also known as c.1520A>G), located in coding exon 17 of the RTEL1 gene, results from an A to G substitution at nucleotide position 1520. The aspartic acid at codon 507 is replaced by glycine, an amino acid with similar properties. This amino acid position is conserved. In addition, this alteration is predicted to be tolerated by in silico analysis. Based on the available evidence, the clinical significance of this variant remains unclear.

Labcorp Genetics (formerly Invitae), Labcorp
Classification: Uncertain significance for Dyskeratosis congenita, autosomal recessive 5; Pulmonary fibrosis and/or bone marrow failure, Telomere-related, 3. Last evaluated: 2022-09-12. Review status: criteria provided, single submitter. Criteria: Invitae Variant Classification Sherloc (09022015). Collection method: clinical testing. Allele origin: germline.
Comment: In summary, the available evidence is currently insufficient to determine the role of this variant in disease. Therefore, it has been classified as a Variant of Uncertain Significance. This variant has not been reported in the literature in individuals affected with RTEL1-related conditions. Algorithms developed to predict the effect of missense changes on protein structure and function (SIFT, PolyPhen-2, Align-GVGD) all suggest that this variant is likely to be tolerated. This variant is present in population databases (no rsID available, gnomAD 0.0009%). This sequence change replaces aspartic acid, which is acidic and polar, with glycine, which is neutral and non-polar, at codon 507 of the RTEL1 protein (p.Asp507Gly).

NM_001283009.2(RTEL1):c.1520A>G (p.Asp507Gly)

Genes: RTEL1 (regulator of telomere elongation helicase 1; plus strand), RTEL1-TNFRSF6B (RTEL1-TNFRSF6B readthrough (NMD candidate); plus strand). Cytogenetic location: 20q13.33.
Variant type: single nucleotide variant.
Coding change: c.1520A>G on transcript NM_001283009.2 (MANE Select); coding-DNA position 1520, A replaced by G.
Protein change: p.Asp507Gly; replaces aspartic acid 507 with glycine.
Molecular consequence: missense variant. On other transcripts: non-coding transcript variant (1).
Genome position (GRCh38, 1-based): chr20:63,687,975, A>G. VCF-style: chr20-63687975-A-G. GRCh37 (hg19) VCF-style: chr20-62319328-A-G.
Other names: c.851A>G, p.Asp284Gly (NM_001283010.1); c.1520A>G, p.Asp507Gly (NM_016434.4); c.1592A>G, p.Asp531Gly (NM_032957.5); short protein forms D531G, D284G, D507G.
Identifiers: ClinVar variation 2191923 (VCV002191923.5), dbSNP rs745723707, ClinGen allele CA409676659.
Genomic context (GRCh38, chr20:63,687,975, plus strand): 5'-TGCTCCCTCTGGCCACGCTCAGCCCTTTCCCAGTCTGCCTGGAGAACCCACACATCATCG[A>G]CAAGCACCAGATCTGGGTGGGGGTCGTCCCCAGAGGCCCCGATGGAGCCCAGTTGAGCTC-3'
Protein context (NP_001269938.1, residues 497-517): PVCLENPHII[Asp507Gly]KHQIWVGVVP